The following is an entry in ClinVar:

NM_022168.4(IFIH1):c.2372T>C (p.Val791Ala)

Gene: IFIH1 (interferon induced with helicase C domain 1; minus strand). Cytogenetic location: 2q24.2.
Variant type: single nucleotide variant.
Coding change: c.2372T>C on transcript NM_022168.4 (MANE Select); coding-DNA position 2372, T replaced by C.
Protein change: p.Val791Ala; replaces valine 791 with alanine.
Molecular consequence: missense variant.
Genome position (GRCh38, 1-based): chr2:162,273,877, A>G on the plus strand (T>C on the coding strand, the complement: IFIH1 is on the minus strand). VCF-style: chr2-162273877-A-G. GRCh37 (hg19) VCF-style: chr2-163130387-A-G.
Other names: short protein forms V791A.
Identifiers: ClinVar variation 1214899 (VCV001214899.9), dbSNP rs2105193712, ClinGen allele CA348995939.

ClinVar aggregate classification (germline): Uncertain significance. Review status: criteria provided, multiple submitters, no conflicts (2 of 4 stars). 2 submissions from 2 submitters: Uncertain significance (2). Last evaluated 2026-10-17.

Conditions:
Singleton-Merten syndrome 1 (SGMRT1). Also called: Widened medullary cavities of bone, aortic calcification, abnormal dentition, and muscular weakness; Syndrome of widened medullary cavities of the metacarpals and phalanges, aortic calcification and abnormal dentition. Identifiers: Orphanet 85191, MedGen C4225427, MONDO:0024535, OMIM 182250.
Aicardi-Goutieres syndrome 7 (AGS7). Identifiers: Orphanet 51, MedGen C3888244, MONDO:0014367, OMIM 615846.

Submissions (2):

GeneDx
Classification: Uncertain significance. Last evaluated: 2026-10-17. Review status: criteria provided, single submitter. Criteria: GeneDx Variant Classification Process June 2021. Collection method: clinical testing. Allele origin: germline.
Comment: Not observed at significant frequency in large population cohorts (gnomAD); In silico analysis supports that this missense variant has a deleterious effect on protein structure/function; Has not been previously published as pathogenic or benign to our knowledge

Labcorp Genetics (formerly Invitae), Labcorp
Classification: Uncertain significance for Aicardi-Goutieres syndrome 7; Singleton-Merten syndrome 1. Last evaluated: 2023-08-23. Review status: criteria provided, single submitter. Criteria: Invitae Variant Classification Sherloc (09022015). Collection method: clinical testing. Allele origin: germline.
Comment: In summary, the available evidence is currently insufficient to determine the role of this variant in disease. Therefore, it has been classified as a Variant of Uncertain Significance. Advanced modeling of protein sequence and biophysical properties (such as structural, functional, and spatial information, amino acid conservation, physicochemical variation, residue mobility, and thermodynamic stability) has been performed at Invitae for this missense variant, however the output from this modeling did not meet the statistical confidence thresholds required to predict the impact of this variant on IFIH1 protein function. ClinVar contains an entry for this variant (Variation ID: 1214899). This missense change has been observed in at least one individual who was not affected with IFIH1-related conditions (Invitae). This variant has not been reported in the literature in individuals affected with IFIH1-related conditions. This variant is not present in population databases (gnomAD no frequency). This sequence change replaces valine, which is neutral and non-polar, with alanine, which is neutral and non-polar, at codon 791 of the IFIH1 protein (p.Val791Ala).